The following is an entry in ClinVar:

ClinVar aggregate classification (germline): Uncertain significance (1 of 4 stars; one submission).

Conditions:
3-methylglutaconic aciduria, type VIIB (MGCA7B). Also called: CLPB Deficiency; 3-methylglutaconic aciduria with cataracts, neurologic involvement and neutropenia; 3-methylglutaconic aciduria, type VII, with cataracts, neurologic involvement and neutropenia. Identifiers: Orphanet 445038, MedGen C5676893, MONDO:0014561, OMIM 616271.

Allele frequency attached by ClinVar (database versions not stated): gnomAD exomes 0.00001 and 0.00002.
gnomAD v4.1: 31 of 1,613,682 alleles (0.0019%); highest among the groups gnomAD compares: Non-Finnish European, 0.0022%; no homozygotes.

Submission:

Labcorp Genetics (formerly Invitae), Labcorp
Classification: Uncertain significance for 3-methylglutaconic aciduria, type VIIB. Last evaluated: 2024-12-29. Review status: criteria provided, single submitter. Criteria: Invitae Variant Classification Sherloc (09022015). Collection method: clinical testing. Allele origin: germline.
Comment: This sequence change replaces histidine, which is basic and polar, with tyrosine, which is neutral and polar, at codon 624 of the CLPB protein (p.His624Tyr). This variant is present in population databases (no rsID available, gnomAD 0.0009%). This variant has not been reported in the literature in individuals affected with CLPB-related conditions. ClinVar contains an entry for this variant (Variation ID: 1506368). An algorithm developed to predict the effect of missense changes on protein structure and function (PolyPhen-2) suggests that this variant is likely to be tolerated. In summary, the available evidence is currently insufficient to determine the role of this variant in disease. Therefore, it has been classified as a Variant of Uncertain Significance.

NM_001258392.3(CLPB):c.1780C>T (p.His594Tyr)

Gene: CLPB (ClpB family mitochondrial disaggregase; minus strand). Cytogenetic location: 11q13.4.
Variant type: single nucleotide variant.
Coding change: c.1780C>T on transcript NM_001258392.3 (MANE Select); coding-DNA position 1780, C replaced by T.
Protein change: p.His594Tyr; replaces histidine 594 with tyrosine.
Molecular consequence: missense variant.
Genome position (GRCh38, 1-based): chr11:72,294,027, G>A on the plus strand (C>T on the coding strand, the complement: CLPB is on the minus strand). VCF-style: chr11-72294027-G-A. GRCh37 (hg19) VCF-style: chr11-72005071-G-A.
Other names: c.1693C>T, p.His565Tyr (NM_001258393.3); c.1735C>T, p.His579Tyr (NM_001258394.3); c.1870C>T, p.His624Tyr (NM_030813.6); short protein forms H594Y, H579Y, H565Y, H624Y.
Identifiers: ClinVar variation 1506368 (VCV001506368.8), dbSNP rs1442380307, ClinGen allele CA381725283.